The following is an entry in ClinVar:

NM_001375524.1(TRRAP):c.3674A>G (p.Glu1225Gly)

Gene: TRRAP (transformation/transcription domain associated protein; plus strand). Cytogenetic location: 7q22.1.
Variant type: single nucleotide variant.
Coding change: c.3674A>G on transcript NM_001375524.1 (MANE Select); coding-DNA position 3674, A replaced by G.
Protein change: p.Glu1225Gly; replaces glutamic acid 1225 with glycine.
Molecular consequence: missense variant.
Genome position (GRCh38, 1-based): chr7:98,931,487, A>G. VCF-style: chr7-98931487-A-G. GRCh37 (hg19) VCF-style: chr7-98529110-A-G.
Other names: c.3674A>G, p.Glu1225Gly (NM_001244580.2, NM_003496.4); short protein forms E1225G.
Identifiers: ClinVar variation 1937730 (VCV001937730.5), dbSNP rs1554412878, ClinGen allele CA368301788.
Genomic context (GRCh38, chr7:98,931,487, plus strand): 5'-TGGCAAAGACCACGCTGGAGCAGCTTCTGATGCGGTGCGCAACGCCTTTAAAAGACGAGG[A>G]GAGAGCCGAAGAGATCGTGGCCGCCCAGGAAAAGTCTTTCCACCATGTGACACACGACTT-3'
Protein context (NP_001362453.1, residues 1215-1235): MRCATPLKDE[Glu1225Gly]RAEEIVAAQE

ClinVar aggregate classification (germline): Uncertain significance (1 of 4 stars; one submission).

Allele frequency attached by ClinVar (database versions not stated): gnomAD exomes below 0.00001; TOPMed 0.00001.
gnomAD v4.1: 6 of 1,614,114 alleles (0.00037%); highest among the groups gnomAD compares: Admixed American, 0.0083%; no homozygotes.

Submission:

Labcorp Genetics (formerly Invitae), Labcorp
Classification: Uncertain significance. Last evaluated: 2025-01-23. Review status: criteria provided, single submitter. Criteria: Invitae Variant Classification Sherloc (09022015). Collection method: clinical testing. Allele origin: germline.
Comment: This sequence change replaces glutamic acid, which is acidic and polar, with glycine, which is neutral and non-polar, at codon 1225 of the TRRAP protein (p.Glu1225Gly). This variant is present in population databases (no rsID available, gnomAD 0.01%). This variant has not been reported in the literature in individuals affected with TRRAP-related conditions. ClinVar contains an entry for this variant (Variation ID: 1937730). Invitae Evidence Modeling of protein sequence and biophysical properties (such as structural, functional, and spatial information, amino acid conservation, physicochemical variation, residue mobility, and thermodynamic stability) indicates that this missense variant is not expected to disrupt TRRAP protein function with a negative predictive value of 80%. In summary, the available evidence is currently insufficient to determine the role of this variant in disease. Therefore, it has been classified as a Variant of Uncertain Significance.